The following is an entry in ClinVar:

ClinVar aggregate classification (germline): Likely benign (1 of 4 stars; one submission).

Conditions:
Multiple endocrine neoplasia, type 1 (MEN1). Also called: MEN I; WERMER SYNDROME; Endocrine adenomatosis multiple; MEN 1; MEA I. Identifiers: Orphanet 652, MedGen C0025267, MeSH D018761, MONDO:0007540, OMIM 131100.

gnomAD v4.1: 2 of 1,612,572 alleles (0.00012%); highest among the groups gnomAD compares: Non-Finnish European, 0.00017%; no homozygotes.

Submission:

Myriad Genetics, Inc.
Classification: Likely benign for Multiple endocrine neoplasia, type 1. Last evaluated: 2024-11-04. Review status: criteria provided, single submitter. Criteria: Myriad Autosomal Dominant, Autosomal Recessive and X-Linked Classification Criteria (2023). Collection method: clinical testing. Allele origin: unknown.
Comment: This variant is considered likely benign. This variant is intronic and is not expected to impact mRNA splicing.

NM_001370259.2(MEN1):c.912+3G>A

Gene: MEN1 (menin 1; minus strand). Cytogenetic location: 11q13.1.
Variant type: single nucleotide variant.
Coding change: c.912+3G>A on transcript NM_001370259.2 (MANE Select); 3 bases into the intron after coding-DNA position 912, G replaced by A.
Molecular consequence: intron variant.
Genome position (GRCh38, 1-based): chr11:64,807,008, C>T on the plus strand (G>A on the coding strand, the complement: MEN1 is on the minus strand). VCF-style: chr11-64807008-C-T. GRCh37 (hg19) VCF-style: chr11-64574480-C-T.
Other names: c.927+3G>A (NM_130804.3, NM_130803.3, NM_000244.4 and 5 more transcripts); c.807+3G>A (NM_001407148.1, NM_001407149.1, NM_001407151.1 and 2 more transcripts); c.912+3G>A (NM_130799.3, NM_001407144.1, NM_001370260.2 and 7 more transcripts).
Identifiers: ClinVar variation 3773426 (VCV003773426.1).